The following is an entry in ClinVar:

ClinVar aggregate classification (germline): Uncertain significance. Review status: criteria provided, multiple submitters, no conflicts (2 of 4 stars). 2 submissions from 2 submitters: Uncertain significance (2). Last evaluated 2026-07-06.

Conditions:
Gorlin syndrome. Also called: Nevoid Basal Cell Carcinoma Syndrome; Basal cell nevus syndrome. Identifiers: Orphanet 377, MedGen C0004779, MONDO:0007187.
Hereditary cancer-predisposing syndrome. Also called: Hereditary neoplastic syndrome; Hereditary Cancer Syndrome; Neoplastic Syndromes, Hereditary; Tumor predisposition. Identifiers: Orphanet 140162, MedGen C0027672, MeSH D009386, MONDO:0015356.

Allele frequency attached by ClinVar (database versions not stated): gnomAD exomes below 0.00001.
gnomAD v4.1: 2 of 1,610,790 alleles (0.00012%); highest among the groups gnomAD compares: Middle Eastern, 0.017%; no homozygotes.

Submissions (2):

Ambry Genetics
Classification: Uncertain significance for Hereditary cancer-predisposing syndrome. Last evaluated: 2026-07-06. Review status: criteria provided, single submitter. Criteria: Ambry Variant Classification Scheme 2023. Collection method: clinical testing. Allele origin: germline.
Comment: The p.A308V variant (also known as c.923C>T), located in coding exon 6 of the PTCH1 gene, results from a C to T substitution at nucleotide position 923. The alanine at codon 308 is replaced by valine, an amino acid with similar properties. This amino acid position is highly conserved in available vertebrate species. In addition, this alteration is predicted to be deleterious by in silico analysis. Based on the available evidence, the clinical significance of this variant remains unclear.

Labcorp Genetics (formerly Invitae), Labcorp
Classification: Uncertain significance for Gorlin syndrome. Last evaluated: 2025-11-09. Review status: criteria provided, single submitter. Criteria: Invitae Variant Classification Sherloc (09022015). Collection method: clinical testing. Allele origin: germline.
Comment: This sequence change replaces alanine, which is neutral and non-polar, with valine, which is neutral and non-polar, at codon 308 of the PTCH1 protein (p.Ala308Val). This variant is not present in population databases (gnomAD no frequency). This variant has not been reported in the literature in individuals affected with PTCH1-related conditions. ClinVar contains an entry for this variant (Variation ID: 2626214). Invitae Evidence Modeling of protein sequence and biophysical properties (such as structural, functional, and spatial information, amino acid conservation, physicochemical variation, residue mobility, and thermodynamic stability) has been performed for this missense variant. However, the output from this modeling did not meet the statistical confidence thresholds required to predict the impact of this variant on PTCH1 protein function. In summary, the available evidence is currently insufficient to determine the role of this variant in disease. Therefore, it has been classified as a Variant of Uncertain Significance.

NM_000264.5(PTCH1):c.923C>T (p.Ala308Val)

Gene: PTCH1 (patched 1; minus strand). Cytogenetic location: 9q22.32.
Variant type: single nucleotide variant.
Coding change: c.923C>T on transcript NM_000264.5 (MANE Select); coding-DNA position 923, C replaced by T.
Protein change: p.Ala308Val; replaces alanine 308 with valine.
Molecular consequence: missense variant. On other transcripts: non-coding transcript variant (1).
Genome position (GRCh38, 1-based): chr9:95,480,412, G>A on the plus strand (C>T on the coding strand, the complement: PTCH1 is on the minus strand). VCF-style: chr9-95480412-G-A. GRCh37 (hg19) VCF-style: chr9-98242694-G-A.
Other names: c.725C>T, p.Ala242Val (NM_001083602.3); c.920C>T, p.Ala307Val (NM_001083603.3); c.470C>T, p.Ala157Val (NM_001083604.3, NM_001083605.3, NM_001083606.3 and 1 more transcripts); c.923C>T, p.Ala308Val (NM_001354918.2); short protein forms A307V, A157V, A242V, A308V.
Identifiers: ClinVar variation 2626214 (VCV002626214.4), dbSNP rs2118413122, ClinGen allele CA374113672.
Genomic context (GRCh38, chr9:95,480,412, plus strand): 5'-TCTCCACCCTTCTGAGAGCGCTCACTGCTGGTACTCACTTTGGTTGAATTTTTGTTGGGG[G>A]CTGTGGCGGGGCAGTCTGGATCGGCCGGATTGAGGCAGGGGCGGTCCATGTAACCATGAC-3'
Protein context (NP_000255.2, residues 298-318): NPADPDCPAT[Ala308Val]PNKNSTKPLD